The following is an entry in ClinVar:

ClinVar aggregate classification (germline): Likely benign. Review status: criteria provided, multiple submitters, no conflicts (2 of 4 stars). 4 submissions from 4 submitters: Likely benign (4). Last evaluated 2024-03-24.

Conditions:
Catecholaminergic polymorphic ventricular tachycardia 1. Also called: VENTRICULAR TACHYCARDIA, STRESS-INDUCED POLYMORPHIC 1; VENTRICULAR TACHYCARDIA, CATECHOLAMINERGIC POLYMORPHIC, 1, WITH OR WITHOUT ATRIAL DYSFUNCTION AND/OR DILATED CARDIOMYOPATHY; RYR2-Related Catecholaminergic Polymorphic Ventricular Tachycardia. Identifiers: Orphanet 3286, MedGen C1631597, MONDO:0011484, OMIM 604772.
Cardiovascular phenotype. Identifiers: MedGen CN230736.
Catecholaminergic polymorphic ventricular tachycardia (CVPT). Also called: Catecholamine-induced polymorphic ventricular tachycardia. Identifiers: Orphanet 3286, MedGen C5574922, MONDO:0017990.
Cardiomyopathy (CMYO). Also called: Cardiomyopathies. Identifiers: Orphanet 167848, MedGen C0878544, MONDO:0004994, HP:0001638. Inheritance: Various modes of inheritance.

Allele frequency attached by ClinVar (database versions not stated): TOPMed below 0.00001.
gnomAD v4.1: 2 of 1,607,050 alleles (0.00012%); no homozygotes.

Submissions (4):

Ambry Genetics
Classification: Likely benign for Cardiovascular phenotype. Last evaluated: 2024-03-24. Review status: criteria provided, single submitter. Criteria: Ambry Variant Classification Scheme 2023. Collection method: clinical testing. Allele origin: germline.

All of Us Research Program, National Institutes of Health
Classification: Likely benign for Catecholaminergic polymorphic ventricular tachycardia. Last evaluated: 2023-12-18. Review status: criteria provided, single submitter. Criteria: ACMG Guidelines, 2015. Collection method: clinical testing. Allele origin: germline. Inheritance: Autosomal dominant inheritance. Observed: 1 variant allele, 1 heterozygote.
Comment: This study involves interpretation of variants in research participants for the purpose of population health screening. Participant phenotype was not available at the time of variant classification. Additional details can be found in publication PMID: 35346344, PMCID: PMC8962531

Color Diagnostics, LLC DBA Color Health
Classification: Likely benign for Cardiomyopathy. Last evaluated: 2023-12-06. Review status: criteria provided, single submitter. Criteria: ACMG Guidelines, 2015. Collection method: clinical testing. Allele origin: germline.

Labcorp Genetics (formerly Invitae), Labcorp
Classification: Likely benign for Catecholaminergic polymorphic ventricular tachycardia 1. Last evaluated: 2022-10-13. Review status: criteria provided, single submitter. Criteria: Invitae Variant Classification Sherloc (09022015). Collection method: clinical testing. Allele origin: germline.

NM_001035.3(RYR2):c.9321A>G (p.Ser3107=)

Gene: RYR2 (ryanodine receptor 2; plus strand). Cytogenetic location: 1q43.
Variant type: single nucleotide variant.
Coding change: c.9321A>G on transcript NM_001035.3 (MANE Select); coding-DNA position 9321, A replaced by G.
Protein change: p.Ser3107=; no amino-acid change (serine 3107 retained).
Molecular consequence: synonymous variant.
Genome position (GRCh38, 1-based): chr1:237,700,421, A>G. VCF-style: chr1-237700421-A-G. GRCh37 (hg19) VCF-style: chr1-237863721-A-G.
Other names: c.9321A>G (NM_001035.2).
Identifiers: ClinVar variation 2201348 (VCV002201348.6), dbSNP rs1472031665, ClinGen allele CA424031471.